The following is an entry in ClinVar:

ClinVar aggregate classification (germline): Pathogenic/Likely pathogenic. Review status: criteria provided, multiple submitters, no conflicts (2 of 4 stars). 3 submissions from 3 submitters: Pathogenic (1); Likely pathogenic (1). 1 of the submissions does not count toward it. Last evaluated 2025-09-25.

Conditions:
Hereditary cancer-predisposing syndrome. Also called: Hereditary Cancer Syndrome; Hereditary neoplastic syndrome; Neoplastic Syndromes, Hereditary; Tumor predisposition. Identifiers: Orphanet 140162, MedGen C0027672, MeSH D009386, MONDO:0015356.
NICE approved PARP inhibitor treatment.
Malignant tumor of breast. Also called: Malignant breast neoplasm; Cancer breast. Identifiers: MedGen C0006142, MONDO:0007254. Disease mechanism: loss of function.

Submissions (3):

NHS Central & South Genomic Laboratory Hub
Classification: Pathogenic for NICE approved PARP inhibitor treatment. Last evaluated: 2025-09-25. Review status: criteria provided, single submitter. Criteria: ACMG Guidelines, 2015. Collection method: clinical testing. Allele origin: germline. Affected: yes.

Ambry Genetics
Classification: Likely pathogenic for Hereditary cancer-predisposing syndrome. Last evaluated: 2024-11-20. Review status: criteria provided, single submitter. Criteria: Ambry Variant Classification Scheme 2023. Collection method: clinical testing. Allele origin: germline.
Comment: The p.L3125F variant (also known as c.9373C>T), located in coding exon 24 of the BRCA2 gene, results from a C to T substitution at nucleotide position 9373. The leucine at codon 3125 is replaced by phenylalanine, an amino acid with highly similar properties. This variant was non-functional in a homology-directed DNA repair (HDR) assay (Richardson ME et al. Am J Hum Genet, 2021 Mar;108:458-468). This amino acid position is highly conserved in available vertebrate species. In addition, this alteration is predicted to be deleterious by in silico analysis. An internal structural analysis indicates that this variant is disruptive to the protein (Ambry internal data). This variant is considered to be rare based on population cohorts in the Genome Aggregation Database (gnomAD). Based on the majority of available evidence to date, this variant is likely to be pathogenic.

Department of Pathology and Laboratory Medicine, Sinai Health System
Classification: Uncertain significance for Malignant tumor of breast. Review status: no assertion criteria provided. Collection method: clinical testing. Allele origin: unknown. Affected: yes. Study: The Canadian Open Genetics Repository (COGR). Not counted in ClinVar's aggregate classification.
Comment: The p.Leu3125Phe variant was identified in 1 of 3050 proband chromosomes (frequency: 0.00033) from individuals or families with Hereditary Breast and Ovarian cancer in a French population (Caux-Moncoutier 2011). Myriad classifies this as a â€šÃ„ÃºVariant of Uncertain Significanceâ€šÃ„Ã¹ (personal communication). This variant was also identified in two samples submitted to UMD, and was listed as an unclassified variant. The p.Leu3125Phe variant was not identified in dbSNP, NHLBI Exome Sequencing Project (Exome Variant Server), Exome Aggregation Consortium (ExAC), HGMD, LOVD, COSMIC, ClinVar or BIC. The p.Leu3125 residue is conserved across mammals and other organisms, and four out of five computational analyses (PolyPhen-2, SIFT, AlignGVGD, MutationTaster, BLOSUM) suggest that the p.Leu3125Phe variant may impact the protein; however, this information is not predictive enough to assume pathogenicity. One out of five in silico splicing prediction programs (SpliceSiteFinder, MaxEntScan, NNSPLICE, GeneSplicer, HumanSpliceFinder) predicts the creation of a potential 5â€šÃ„Ã´ splice site; however, the variant is not within a splicing consensus sequence and this information is not predictive of pathogenicity. In summary, based on the above information, the clinical significance of this variant cannot be determined with certainty at this time. This variant is classified as a variant of unknown significance.

Literature cited by the submitters: PubMed 33609447 (cited by Ambry Genetics).

NM_000059.4(BRCA2):c.9373C>T (p.Leu3125Phe)

Gene: BRCA2 (BRCA2 DNA repair associated; plus strand). Cytogenetic location: 13q13.1.
Variant type: single nucleotide variant.
Coding change: c.9373C>T on transcript NM_000059.4 (MANE Select); coding-DNA position 9373, C replaced by T.
Protein change: p.Leu3125Phe; replaces leucine 3125 with phenylalanine.
Molecular consequence: missense variant.
Genome position (GRCh38, 1-based): chr13:32,394,805, C>T. VCF-style: chr13-32394805-C-T. GRCh37 (hg19) VCF-style: chr13-32968942-C-T.
Other names: short protein forms L3125F.
Identifiers: ClinVar variation 433840 (VCV000433840.7), dbSNP rs1555289566, ClinGen allele CA387761221.